The following is an entry in ClinVar:

NM_175914.5(HNF4A):c.*3153C>A

Gene: HNF4A (hepatocyte nuclear factor 4 alpha; plus strand). Cytogenetic location: 20q13.12.
Variant type: single nucleotide variant.
Coding change: c.*3153C>A on transcript NM_175914.5 (MANE Select); 3153 bases downstream of the stop codon, C replaced by A.
Molecular consequence: 3 prime UTR variant.
Genome position (GRCh38, 1-based): chr20:44,432,818, C>A. VCF-style: chr20-44432818-C-A. GRCh37 (hg19) VCF-style: chr20-43061458-C-A.
Other names: c.*3153C>A (NM_000457.6, NM_001030003.3, NM_001258355.2 and 3 more transcripts).
Identifiers: ClinVar variation 338499 (VCV000338499.6), dbSNP rs569302875, ClinGen allele CA10649759.

ClinVar aggregate classification (germline): Conflicting classifications of pathogenicity. Review status: criteria provided, conflicting classifications (1 of 4 stars). 3 submissions from 2 submitters: Uncertain significance (2); Benign (1). Last evaluated 2018-01-13.

Conditions:
Familial hyperinsulinism. Also called: Congenital hyperinsulinism. Identifiers: Orphanet 276525, MedGen C3888018, MONDO:0017182. Disease mechanism: loss of function.
Maturity-onset diabetes of the young type 1. Also called: MILD JUVENILE DIABETES MELLITUS; MODY, type I; MODY type 1; Diabetes mellitus MODY type 1; MODY HNF4A related; HNF4A-Related Maturity-Onset Diabetes of the Young Type 1. Identifiers: Orphanet 552, MedGen C1852093, MONDO:0007452, OMIM 125850. Disease mechanism: loss of function.
Maturity-onset diabetes of the young (MODY). Also called: Maturity onset diabetes mellitus in young. Identifiers: Orphanet 552, MedGen C0342276, MONDO:0018911, HP:0004904.

Allele frequency attached by ClinVar (database versions not stated): 1000 Genomes Project 30x 0.00016; 1000 Genomes Project 0.00020; gnomAD 0.00084 and 0.00087; TOPMed 0.00088.

Submissions (3):

Illumina Laboratory Services, Illumina
Classification: Uncertain significance for Familial hyperinsulinism. Last evaluated: 2018-01-13. Review status: criteria provided, single submitter. Criteria: ICSL Variant Classification Criteria 13 December 2019. Collection method: clinical testing. Allele origin: germline.

Illumina Laboratory Services, Illumina
Classification: Uncertain significance for Maturity-onset diabetes of the young type 1. Last evaluated: 2018-01-13. Review status: criteria provided, single submitter. Criteria: ICSL Variant Classification Criteria 13 December 2019. Collection method: clinical testing. Allele origin: germline.

Clinical Genomics, Uppaluri K&H Personalized Medicine Clinic
Classification: Benign for Maturity-onset diabetes of the young. Review status: criteria provided, single submitter. Criteria: K & H Uppaluri Personalized Medicine Clinic Variant Classification & Assertion Criteria_Updated V.1. Collection method: research. Allele origin: unknown. Inheritance: Autosomal dominant inheritance.
Comment: Potent mutations in HNF4A are associated with poor insulin secretion in response to hyperglycemia. Associated with MODY1. Patients initially respond well to sulfonylureas but eventually become insulin dependent. However, more evidence is required to ascertain the role of this particular variant rs569302875 in MODY, yet.

Literature cited by the submitters: DOI 10.1159/000334532 (cited by Clinical Genomics, Uppaluri K&H Personalized Medicine Clinic); PubMed 18268044 (cited by Clinical Genomics, Uppaluri K&H Personalized Medicine Clinic); PubMed 17563455 (cited by Clinical Genomics, Uppaluri K&H Personalized Medicine Clinic); PubMed 32583173 (cited by Clinical Genomics, Uppaluri K&H Personalized Medicine Clinic); PubMed 35052457 (cited by Clinical Genomics, Uppaluri K&H Personalized Medicine Clinic); PubMed 35118593 (cited by Clinical Genomics, Uppaluri K&H Personalized Medicine Clinic).